The following is an entry in ClinVar:

ClinVar aggregate classification (germline): Uncertain significance (1 of 4 stars; one submission).

Conditions:
Camptomelic dysplasia (CMPD). Also called: CMPD1/SRA1; Campomelic Dysplasia. Identifiers: Orphanet 140, MedGen C1861922, MONDO:0007251, OMIM 114290.

Submission:

Labcorp Genetics (formerly Invitae), Labcorp
Classification: Uncertain significance for Camptomelic dysplasia. Last evaluated: 2025-09-10. Review status: criteria provided, single submitter. Criteria: Invitae Variant Classification Sherloc (09022015). Collection method: clinical testing. Allele origin: germline.
Comment: This sequence change replaces valine, which is neutral and non-polar, with leucine, which is neutral and non-polar, at codon 245 of the SOX9 protein (p.Val245Leu). This variant is present in population databases (no rsID available, gnomAD 0.0009%). This variant has not been reported in the literature in individuals affected with SOX9-related conditions. Invitae Evidence Modeling of protein sequence and biophysical properties (such as structural, functional, and spatial information, amino acid conservation, physicochemical variation, residue mobility, and thermodynamic stability) indicates that this missense variant is not expected to disrupt SOX9 protein function with a negative predictive value of 95%. In summary, the available evidence is currently insufficient to determine the role of this variant in disease. Therefore, it has been classified as a Variant of Uncertain Significance.

NM_000346.4(SOX9):c.733G>T (p.Val245Leu)

Gene: SOX9 (SRY-box transcription factor 9; plus strand). Cytogenetic location: 17q24.3.
Variant type: single nucleotide variant.
Coding change: c.733G>T on transcript NM_000346.4 (MANE Select); coding-DNA position 733, G replaced by T.
Protein change: p.Val245Leu; replaces valine 245 with leucine.
Molecular consequence: missense variant.
Genome position (GRCh38, 1-based): chr17:72,123,590, G>T. VCF-style: chr17-72123590-G-T. GRCh37 (hg19) VCF-style: chr17-70119731-G-T.
Other names: short protein forms V245L.
Identifiers: ClinVar variation 4806706 (VCV004806706.1).